The following is an entry in ClinVar:

NM_032551.5(KISS1R):c.707T>C (p.Val236Ala)

Gene: KISS1R (KISS1 receptor; plus strand). Cytogenetic location: 19p13.3.
Variant type: single nucleotide variant.
Coding change: c.707T>C on transcript NM_032551.5 (MANE Select); coding-DNA position 707, T replaced by C.
Protein change: p.Val236Ala; replaces valine 236 with alanine.
Molecular consequence: missense variant.
Genome position (GRCh38, 1-based): chr19:920,075, T>C. VCF-style: chr19-920075-T-C. GRCh37 (hg19) VCF-style: chr19-920075-T-C.
Other names: short protein forms V236A.
Identifiers: ClinVar variation 3370028 (VCV003370028.1).
Genomic context (GRCh38, chr19:920,075, plus strand): 5'-CGCTGCTCGCCACCTGCGCCTGCTATGCGGCCATGCTGCGCCACCTGGGCCGGGTCGCCG[T>C]GCGCCCCGCGCCCGCCGATAGCGCCCTGCAGGTGCGCGGCGTGGGTGGGAGGACAGCAAG-3'
Protein context (NP_115940.2, residues 226-246): AMLRHLGRVA[Val236Ala]RPAPADSALQ

ClinVar aggregate classification (germline): Uncertain significance (1 of 4 stars; one submission).

gnomAD v4.1: 2 of 1,511,762 alleles (0.00013%); highest among the groups gnomAD compares: Admixed American, 0.0041%; no homozygotes.

Submission:

GeneDx
Classification: Uncertain significance. Last evaluated: 2024-04-22. Review status: criteria provided, single submitter. Criteria: GeneDx Variant Classification Process June 2021. Collection method: clinical testing. Allele origin: germline. Affected: yes.
Comment: Not observed at significant frequency in large population cohorts (gnomAD); In silico analysis indicates that this missense variant does not alter protein structure/function; Has not been previously published as pathogenic or benign to our knowledge